The following is an entry in ClinVar:

ClinVar aggregate classification (germline): Uncertain significance (1 of 4 stars; one submission).

Allele frequency attached by ClinVar (database versions not stated): gnomAD exomes below 0.00001; TOPMed 0.00001.
gnomAD v4.1: 2 of 1,614,090 alleles (0.00012%); highest among the groups gnomAD compares: Non-Finnish European, 0.000085%; no homozygotes.

Submission:

Labcorp Genetics (formerly Invitae), Labcorp
Classification: Uncertain significance. Last evaluated: 2022-08-12. Review status: criteria provided, single submitter. Criteria: Invitae Variant Classification Sherloc (09022015). Collection method: clinical testing. Allele origin: germline.
Comment: This sequence change falls in intron 8 of the TK2 gene. It does not directly change the encoded amino acid sequence of the TK2 protein. It affects a nucleotide within the consensus splice site. This variant is present in population databases (no rsID available, gnomAD 0.0009%). This variant has not been reported in the literature in individuals affected with TK2-related conditions. Variants that disrupt the consensus splice site are a relatively common cause of aberrant splicing (PMID: 17576681, 9536098). Algorithms developed to predict the effect of sequence changes on RNA splicing suggest that this variant may disrupt the consensus splice site. In summary, the available evidence is currently insufficient to determine the role of this variant in disease. Therefore, it has been classified as a Variant of Uncertain Significance.

Literature cited by the submitters: PubMed 17576681; PubMed 9536098.

NM_004614.5(TK2):c.618+5G>T

Gene: TK2 (thymidine kinase 2; minus strand). Cytogenetic location: 16q21.
Variant type: single nucleotide variant.
Coding change: c.618+5G>T on transcript NM_004614.5 (MANE Select); 5 bases into the intron after coding-DNA position 618, G replaced by T.
Molecular consequence: intron variant.
Genome position (GRCh38, 1-based): chr16:66,517,131, C>A on the plus strand (G>T on the coding strand, the complement: TK2 is on the minus strand). VCF-style: chr16-66517131-C-A. GRCh37 (hg19) VCF-style: chr16-66551034-C-A.
Other names: c.357-3320G>T (NM_001271935.1); c.525+5G>T (NM_001172643.1); c.543+5G>T (NM_001172644.2); c.564+5G>T (NM_001172645.2); c.471+5G>T (NM_001271934.2); c.327+5G>T (NM_001272050.2).
Identifiers: ClinVar variation 1989294 (VCV001989294.1), dbSNP rs1289746029, ClinGen allele CA622888878.
Genomic context (GRCh38, chr16:66,517,131, plus strand): 5'-GGAAGCCGGGTTGGACAGAGGTGGTTTCCCAGTTTGTCTTTAACCAAGTCAAAGAGGCCT[C>A]TTACCAGCGGAATGACCTTCTCCTCTTCCCTGCATCTCTTCTTTAACCTCTGGTAACAAG-3'